The following is an entry in ClinVar:

NM_003041.4(SLC5A2):c.1360G>C (p.Asp454His)

Gene: SLC5A2 (solute carrier family 5 member 2; plus strand). Cytogenetic location: 16p11.2.
Variant type: single nucleotide variant.
Coding change: c.1360G>C on transcript NM_003041.4 (MANE Select); coding-DNA position 1360, G replaced by C.
Protein change: p.Asp454His; replaces aspartic acid 454 with histidine.
Molecular consequence: missense variant.
Genome position (GRCh38, 1-based): chr16:31,488,959, G>C. VCF-style: chr16-31488959-G-C. GRCh37 (hg19) VCF-style: chr16-31500280-G-C.
Other names: c.1360G>C (NM_003041.3); short protein forms D454H.
Identifiers: ClinVar variation 3256631 (VCV003256631.2).

ClinVar aggregate classification (germline): Uncertain significance. Review status: criteria provided, multiple submitters, no conflicts (2 of 4 stars). 2 submissions from 2 submitters: Uncertain significance (2). Last evaluated 2024-05-14.

Conditions:
Familial renal glucosuria (GLYS). Also called: RENAL GLUCOSURIA, AUTOSOMAL DOMINANT; Familial renal glycosuria. Identifiers: Orphanet 69076, MedGen C3245525, MONDO:0009297, OMIM 233100.
Inborn genetic diseases. Identifiers: MedGen C0950123, MeSH D030342.

gnomAD v4.1: 4 of 1,602,906 alleles (0.00025%); highest among the groups gnomAD compares: South Asian, 0.0044%; no homozygotes.

Submissions (2):

Ambry Genetics
Classification: Uncertain significance for Inborn genetic diseases. Last evaluated: 2024-05-14. Review status: criteria provided, single submitter. Criteria: Ambry Variant Classification Scheme 2023. Collection method: clinical testing. Allele origin: germline.

MVZ Medizinische Genetik Mainz
Classification: Uncertain significance for Familial renal glucosuria. Last evaluated: 2024-04-30. Review status: criteria provided, single submitter. Criteria: UK Practice Guidelines For Variant Classification V4 01 2020. Collection method: clinical testing. Allele origin: germline. Inheritance: Autosomal dominant inheritance. Affected: yes. Observed: 1 variant allele.
Comment: ACMG Criteria: PM2_SUP,PP4